The following is an entry in ClinVar:

NM_001110556.2(FLNA):c.2514C>A (p.Tyr838Ter)

Gene: FLNA (filamin A; minus strand). Cytogenetic location: Xq28.
Variant type: single nucleotide variant.
Coding change: c.2514C>A on transcript NM_001110556.2 (MANE Select); coding-DNA position 2514, C replaced by A.
Protein change: p.Tyr838Ter; replaces tyrosine 838 with a stop codon.
Molecular consequence: nonsense.
Genome position (GRCh38, 1-based): chrX:154,362,469, G>T on the plus strand (C>A on the coding strand, the complement: FLNA is on the minus strand). VCF-style: chrX-154362469-G-T. GRCh37 (hg19) VCF-style: chrX-153590837-G-T.
Other names: NC_000023.10:g.153590837G>T; c.2514C>A, p.Tyr838Ter (NM_001456.4); short protein forms Y838*.
Identifiers: ClinVar variation 2630047 (VCV002630047.2), dbSNP rs782805682, ClinGen allele CA415236101.
Genomic context (GRCh38, chrX:154,362,469, plus strand): 5'-AGCACCCACCTGGTCAGCAAAGAGGACCATAATGGTGTAGCTGCCAGCCCCCCGGGGCGT[G>T]TACTTGACCGTGAAGGTGTCATTGTCATTGCGGATGATGTCGAAGTCGATGTCAGCTTCG-3'

ClinVar aggregate classification (germline): Likely pathogenic (1 of 4 stars; one submission).

Conditions:
FLNA-related disorder.

Submissions (2):

PreventionGenetics, part of Exact Sciences
Classification: Likely pathogenic for FLNA-related condition. Last evaluated: 2023-02-02. Review status: criteria provided, single submitter. Criteria: ACMG Guidelines, 2015. Collection method: clinical testing. Allele origin: germline.
Comment: The FLNA c.2514C>A variant is predicted to result in premature protein termination (p.Tyr838*). To our knowledge, this variant has not been reported in the literature or in a large population database, indicating this variant is rare. Nonsense variants in FLNA are expected to be pathogenic. This variant is interpreted as likely pathogenic.

Dr. Peter K. Rogan Lab, Western University
No classification provided (evidence only). Condition: Thyroid cancer, nonmedullary, 1. Review status: no classification provided. Collection method: in vitro. Allele origin: not applicable. Functional consequence: retained intron. Not counted in ClinVar's aggregate classification.